The following is an entry in ClinVar:

ClinVar aggregate classification (germline): Uncertain significance (1 of 4 stars; one submission).

Conditions:
Nephronophthisis. Also called: Juvenile Nephronophthisis. Identifiers: Orphanet 655, MedGen C0687120, MONDO:0019005, HP:0000090.

Allele frequency attached by ClinVar (database versions not stated): ExAC 0.00015.
gnomAD v4.1: 26 of 1,539,592 alleles (0.0017%); highest among the groups gnomAD compares: Non-Finnish European, 0.0011%; no homozygotes.

Submission:

Labcorp Genetics (formerly Invitae), Labcorp
Classification: Uncertain significance for Nephronophthisis. Last evaluated: 2022-06-09. Review status: criteria provided, single submitter. Criteria: Invitae Variant Classification Sherloc (09022015). Collection method: clinical testing. Allele origin: germline.
Comment: This variant is present in population databases (rs779142808, gnomAD 0.006%). This sequence change replaces alanine, which is neutral and non-polar, with proline, which is neutral and non-polar, at codon 375 of the GLIS2 protein (p.Ala375Pro). This variant has not been reported in the literature in individuals affected with GLIS2-related conditions. In summary, the available evidence is currently insufficient to determine the role of this variant in disease. Therefore, it has been classified as a Variant of Uncertain Significance. Algorithms developed to predict the effect of missense changes on protein structure and function output the following: SIFT: "Tolerated"; PolyPhen-2: "Not Available"; Align-GVGD: "Class C0". The proline amino acid residue is found in multiple mammalian species, which suggests that this missense change does not adversely affect protein function.

NM_032575.3(GLIS2):c.1123G>C (p.Ala375Pro)

Gene: GLIS2 (GLIS family zinc finger 2; plus strand). Cytogenetic location: 16p13.3.
Variant type: single nucleotide variant.
Coding change: c.1123G>C on transcript NM_032575.3 (MANE Select); coding-DNA position 1123, G replaced by C.
Protein change: p.Ala375Pro; replaces alanine 375 with proline.
Molecular consequence: missense variant.
Genome position (GRCh38, 1-based): chr16:4,337,072, G>C. VCF-style: chr16-4337072-G-C. GRCh37 (hg19) VCF-style: chr16-4387073-G-C.
Other names: c.1123G>C, p.Ala375Pro (NM_001318918.2); short protein forms A375P.
Identifiers: ClinVar variation 2148123 (VCV002148123.4), dbSNP rs779142808, ClinGen allele CA7873200.